The following is an entry in ClinVar:

ClinVar aggregate classification (germline): Uncertain significance. Review status: criteria provided, multiple submitters, no conflicts (2 of 4 stars). 2 submissions from 2 submitters: Uncertain significance (2). Last evaluated 2025-08-21.

Conditions:
Familial hemophagocytic lymphohistiocytosis 2 (FHL2). Also called: PRF1-Related Familial Hemophagocytic Lymphohistiocytosis (PRF1-fHLH). Identifiers: Orphanet 540, MedGen C1863727, MONDO:0011337, OMIM 603553.
Inborn genetic diseases. Identifiers: MedGen C0950123, MeSH D030342.

Submissions (2):

Ambry Genetics
Classification: Uncertain significance for Inborn genetic diseases. Last evaluated: 2025-08-21. Review status: criteria provided, single submitter. Criteria: Ambry Variant Classification Scheme 2023. Collection method: clinical testing. Allele origin: germline.

Labcorp Genetics (formerly Invitae), Labcorp
Classification: Uncertain significance for Familial hemophagocytic lymphohistiocytosis 2. Last evaluated: 2021-08-21. Review status: criteria provided, single submitter. Criteria: Invitae Variant Classification Sherloc (09022015). Collection method: clinical testing. Allele origin: germline.
Comment: This sequence change replaces glycine with valine at codon 57 of the PRF1 protein (p.Gly57Val). The glycine residue is moderately conserved and there is a moderate physicochemical difference between glycine and valine. This variant is not present in population databases (ExAC no frequency). This variant has not been reported in the literature in individuals affected with PRF1-related conditions. Algorithms developed to predict the effect of missense changes on protein structure and function are either unavailable or do not agree on the potential impact of this missense change (SIFT: "Tolerated"; PolyPhen-2: "Possibly Damaging"; Align-GVGD: "Class C0"). In summary, the available evidence is currently insufficient to determine the role of this variant in disease. Therefore, it has been classified as a Variant of Uncertain Significance.

NM_001083116.3(PRF1):c.170G>T (p.Gly57Val)

Gene: PRF1 (perforin 1; minus strand). Cytogenetic location: 10q22.1.
Variant type: single nucleotide variant.
Coding change: c.170G>T on transcript NM_001083116.3 (MANE Select); coding-DNA position 170, G replaced by T.
Protein change: p.Gly57Val; replaces glycine 57 with valine.
Molecular consequence: missense variant.
Genome position (GRCh38, 1-based): chr10:70,600,733, C>A on the plus strand (G>T on the coding strand, the complement: PRF1 is on the minus strand). VCF-style: chr10-70600733-C-A. GRCh37 (hg19) VCF-style: chr10-72360489-C-A.
Other names: c.170G>T (NM_001083116.1); c.170G>T, p.Gly57Val (NM_005041.6); short protein forms G57V.
Identifiers: ClinVar variation 1500167 (VCV001500167.4), dbSNP rs2132478554, ClinGen allele CA376959951.